The following is an entry in ClinVar:

ClinVar aggregate classification (germline): Uncertain significance (1 of 4 stars; one submission).

Submission:

GeneDx
Classification: Uncertain significance. Last evaluated: 2025-05-29. Review status: criteria provided, single submitter. Criteria: GeneDx Variant Classification Process June 2021. Collection method: clinical testing. Allele origin: germline. Affected: yes.
Comment: Not observed at significant frequency in large population cohorts (gnomAD); In silico analysis suggests that this missense variant does not alter protein structure/function; Has not been previously published as pathogenic or benign to our knowledge

NM_001128.6(AP1G1):c.1786A>C (p.Thr596Pro)

Gene: AP1G1 (adaptor related protein complex 1 subunit gamma 1; minus strand). Cytogenetic location: 16q22.2.
Variant type: single nucleotide variant.
Coding change: c.1786A>C on transcript NM_001128.6 (MANE Select); coding-DNA position 1786, A replaced by C.
Protein change: p.Thr596Pro; replaces threonine 596 with proline.
Molecular consequence: missense variant.
Genome position (GRCh38, 1-based): chr16:71,745,559, T>G on the plus strand (A>C on the coding strand, the complement: AP1G1 is on the minus strand). VCF-style: chr16-71745559-T-G. GRCh37 (hg19) VCF-style: chr16-71779462-T-G.
Other names: c.1795A>C, p.Thr599Pro (NM_001030007.2); short protein forms T596P, T599P.
Identifiers: ClinVar variation 4532720 (VCV004532720.1).
Genomic context (GRCh38, chr16:71,745,559, plus strand): 5'-GTGGCGGTTTGGTCTCTAGTGGAGCTGGTTCTGTCTCTCCATTTGTCTGCACAATCTCAG[T>G]AGGGCCATTTGTGGTCACTTTTTCCATGACAGGCATTCTCTCAAGTAGGGCAGACCTAGA-3'
Protein context (NP_001119.3, residues 586-606): VMEKVTTNGP[Thr596Pro]EIVQTNGETE